The following is an entry in ClinVar:

NM_016464.5(TMEM138):c.293G>A (p.Trp98Ter)

Gene: TMEM138 (transmembrane protein 138; plus strand). Cytogenetic location: 11q12.2.
Variant type: single nucleotide variant.
Coding change: c.293G>A on transcript NM_016464.5 (MANE Select); coding-DNA position 293, G replaced by A.
Protein change: p.Trp98Ter; replaces tryptophan 98 with a stop codon.
Molecular consequence: nonsense. On other transcripts: non-coding transcript variant (1).
Genome position (GRCh38, 1-based): chr11:61,366,209, G>A. VCF-style: chr11-61366209-G-A. GRCh37 (hg19) VCF-style: chr11-61133681-G-A.
Other names: c.119G>A, p.Trp40Ter (NM_001330281.2); c.293G>A, p.Trp98Ter (NM_001410997.1, NM_001410998.1, NM_001410999.1); short protein forms W40*, W98*.
Identifiers: ClinVar variation 3686760 (VCV003686760.2).

ClinVar aggregate classification (germline): Pathogenic (1 of 4 stars; one submission).

Conditions:
Joubert syndrome 16 (JBTS16). Identifiers: Orphanet 2318, MedGen C3280906, MONDO:0013764, OMIM 614465.

gnomAD v4.1: 9 of 1,611,936 alleles (0.00056%); highest among the groups gnomAD compares: Non-Finnish European, 0.00076%; no homozygotes.

Submission:

Labcorp Genetics (formerly Invitae), Labcorp
Classification: Pathogenic for Joubert syndrome 16. Last evaluated: 2024-12-23. Review status: criteria provided, single submitter. Criteria: Invitae Variant Classification Sherloc (09022015). Collection method: clinical testing. Allele origin: germline.
Comment: This sequence change creates a premature translational stop signal (p.Trp98*) in the TMEM138 gene. It is expected to result in an absent or disrupted protein product. Loss-of-function variants in TMEM138 are known to be pathogenic (PMID: 26489029). This variant is not present in population databases (gnomAD no frequency). This variant has not been reported in the literature in individuals affected with TMEM138-related conditions. For these reasons, this variant has been classified as Pathogenic.

Literature cited by the submitters: PubMed 26489029.